The following is an entry in ClinVar:

NM_000518.5(HBB):c.253_260del (p.Thr85fs)

Genes: HBB (hemoglobin subunit beta; minus strand), LOC106099062 (HBB recombination region; plus strand), LOC107133510 (origin of replication at HBB; plus strand). Cytogenetic location: 11p15.4.
Variant type: Deletion.
Coding change: c.253_260del on transcript NM_000518.5 (MANE Select); coding-DNA positions 253 to 260, 8 bases deleted (ACCTTTGC; older notation c.253_260delACCTTTGC).
Protein change: p.Thr85fs; shifts the reading frame from threonine 85.
Molecular consequence: frameshift variant.
Genome position (GRCh38, 1-based): chr11:5,226,632-5,226,639, GCAAAGGT deleted on the plus strand (ACCTTTGC on the coding strand, the reverse complement: HBB is on the minus strand); deleting any 8 consecutive bases within chr11:5,226,632-5,226,641 gives the same sequence; the c. name uses the placement nearest the transcript's 3' end. VCF-style (leftmost placement, unchanged base first): chr11-5226631-GGCAAAGGT-G. GRCh37 (hg19) VCF-style: chr11-5247861-GGCAAAGGT-G.
Other names: CD 84-86 (-8 bp): (-CACCTTTG); short protein forms T85fs.
Identifiers: ClinVar variation 869301 (VCV000869301.1), dbSNP rs1847553982, ClinGen allele CA916083187.

ClinVar aggregate classification (germline): Likely pathogenic. Review status: criteria provided, single submitter (1 of 4 stars). 2 submissions from 2 submitters: Likely pathogenic (1). 1 of the submissions does not count toward it. Last evaluated 2025-08-04.

Conditions:
beta Thalassemia (BTHAL). Also called: Cooley's anemia; Erythroblastic anemia; Mediterranean anemia. Identifiers: Orphanet 848, MedGen C0005283, MONDO:0019402. Disease mechanism: loss of function.

Submissions (2):

Natera, Inc.
Classification: Likely pathogenic for Beta thalassemia. Last evaluated: 2025-08-04. Review status: criteria provided, single submitter. Criteria: Natera Variant Classification Schema (03/2026). Collection method: clinical testing. Allele origin: germline.
Comment: The c.253_260del variant in HBB is a frameshift variant predicted to shift the reading frame beginning at codon 85 and leads to a stop codon 4 codons downstream. This variant is expected to result in nonsense mediated decay, truncation, or a dysfunctional protein product. This variant is rare in the general population with a frequency below the threshold expected for the associated phenotype(s). Given the available evidence, this variant is classified as Likely Pathogenic.

The ITHANET community portal, The Cyprus Institute of Neurology and Genetics
Classification: Pathogenic for beta Thalassemia. Last evaluated: 2019-11-25. Review status: no assertion criteria provided. Collection method: curation. Allele origin: germline. Not counted in ClinVar's aggregate classification.

Literature cited by the submitters: PubMed 9494052 (cited by The ITHANET community portal, The Cyprus Institute of Neurology and Genetics).